The following is an entry in ClinVar:

ClinVar aggregate classification (germline): Pathogenic (1 of 4 stars; one submission).

Submission:

Labcorp Genetics (formerly Invitae), Labcorp
Classification: Pathogenic. Last evaluated: 2024-05-02. Review status: criteria provided, single submitter. Criteria: Invitae Variant Classification Sherloc (09022015). Collection method: clinical testing. Allele origin: germline.
Comment: This sequence change creates a premature translational stop signal (p.Glu218Profs*9) in the ADAMTSL4 gene. It is expected to result in an absent or disrupted protein product. Loss-of-function variants in ADAMTSL4 are known to be pathogenic (PMID: 20564469, 28642162). This variant is not present in population databases (gnomAD no frequency). This variant has not been reported in the literature in individuals affected with ADAMTSL4-related conditions. ClinVar contains an entry for this variant (Variation ID: 2097713). For these reasons, this variant has been classified as Pathogenic.

Literature cited by the submitters: PubMed 20564469; PubMed 28642162.

NM_019032.6(ADAMTSL4):c.652_667del (p.Glu218fs)

Genes: ADAMTSL4 (ADAMTS like 4; plus strand), ADAMTSL4-AS2 (ADAMTSL4 antisense RNA 2; minus strand). Cytogenetic location: 1q21.2.
Variant type: Deletion.
Coding change: c.652_667del on transcript NM_019032.6 (MANE Select); coding-DNA positions 652 to 667, 16 bases deleted (GAACTGTCTGTCCACA).
Protein change: p.Glu218fs; shifts the reading frame from glutamic acid 218.
Molecular consequence: frameshift variant.
Genome position (GRCh38, 1-based): chr1:150,553,643-150,553,658, GAACTGTCTGTCCACA deleted; deleting any 16 consecutive bases within chr1:150,553,638-150,553,658 gives the same sequence; the c. name uses the placement nearest the transcript's 3' end. VCF-style (leftmost placement, unchanged base first): chr1-150553637-CCCACAGAACTGTCTGT-C. GRCh37 (hg19) VCF-style: chr1-150526113-CCCACAGAACTGTCTGT-C.
Other names: c.652_667del, p.Glu218fs (NM_001288607.2, NM_001288608.2, NM_001378596.1 and 1 more transcripts); short protein forms E218fs.
Identifiers: ClinVar variation 2097713 (VCV002097713.4), dbSNP rs2526606477, ClinGen allele CA2580060985.
Genomic context (GRCh38, chr1:150,553,637, plus strand): 5'-TCCCCTACTCCAAGAGCAGAGCCATTCTCCGCAAACGGCAGCCCCCAAACTGAGCTCCCT[CCCACAGAACTGTCTGT>C]CCACACCCCATCCCCCCAAGCAGAACCTCTAAGCCCTGAAACTGCTCAGACAGAGGTGGC-3'